The following is an entry in ClinVar:

NM_006946.4(SPTBN2):c.5248C>A (p.Arg1750Ser)

Gene: SPTBN2 (spectrin beta, non-erythrocytic 2; minus strand). Cytogenetic location: 11q13.2.
Variant type: single nucleotide variant.
Coding change: c.5248C>A on transcript NM_006946.4 (MANE Select); coding-DNA position 5248, C replaced by A.
Protein change: p.Arg1750Ser; replaces arginine 1750 with serine.
Molecular consequence: missense variant.
Genome position (GRCh38, 1-based): chr11:66,691,601, G>T on the plus strand (C>A on the coding strand, the complement: SPTBN2 is on the minus strand). VCF-style: chr11-66691601-G-T. GRCh37 (hg19) VCF-style: chr11-66459072-G-T.
Other names: short protein forms R1750S.
Identifiers: ClinVar variation 305548 (VCV000305548.13), dbSNP rs886048548, ClinGen allele CA10639129.

ClinVar aggregate classification (germline): Uncertain significance (1 of 4 stars; one submission).

Allele frequency attached by ClinVar (database versions not stated): gnomAD 0.00001; TOPMed 0.00001.
gnomAD v4.1: 3 of 1,613,684 alleles (0.00019%); highest among the groups gnomAD compares: Non-Finnish European, 0.00025%; no homozygotes.

Submission:

CeGaT Center for Human Genetics Tuebingen
Classification: Uncertain significance. Last evaluated: 2025-08-01. Review status: criteria provided, single submitter. Criteria: CeGaT Center For Human Genetics Tuebingen Variant Classification Criteria Version 2. Collection method: clinical testing. Allele origin: germline. Affected: yes. Observed: 1 variant allele.
Comment: SPTBN2: PM2